The following is an entry in ClinVar:

ClinVar aggregate classification (germline): Uncertain significance. Review status: criteria provided, multiple submitters, no conflicts (2 of 4 stars). 2 submissions from 2 submitters: Uncertain significance (2). Last evaluated 2025-04-07.

Conditions:
Autoimmune lymphoproliferative syndrome type 2A (ALPS2A). Also called: AUTOIMMUNE LYMPHOPROLIFERATIVE SYNDROME, TYPE IIA; CASP10-Related Autoimmune Lymphoproliferative Syndrome; Autoimmune lymphoproliferative syndrome type 2. Identifiers: Orphanet 3261, MedGen C1858968, MONDO:0011383, OMIM 603909.

Allele frequency attached by ClinVar (database versions not stated): gnomAD exomes below 0.00001; gnomAD 0.00001.
gnomAD v4.1: 5 of 1,608,986 alleles (0.00031%); highest among the groups gnomAD compares: Middle Eastern, 0.016%; no homozygotes.

Submissions (2):

Labcorp Genetics (formerly Invitae), Labcorp
Classification: Uncertain significance for Autoimmune lymphoproliferative syndrome type 2A. Last evaluated: 2025-04-07. Review status: criteria provided, single submitter. Criteria: Invitae Variant Classification Sherloc (09022015). Collection method: clinical testing. Allele origin: germline.
Comment: This sequence change replaces threonine, which is neutral and polar, with proline, which is neutral and non-polar, at codon 245 of the CASP10 protein (p.Thr245Pro). This variant is present in population databases (no rsID available, gnomAD no frequency). This variant has not been reported in the literature in individuals affected with CASP10-related conditions. ClinVar contains an entry for this variant (Variation ID: 844627). An algorithm developed to predict the effect of missense changes on protein structure and function (PolyPhen-2) suggests that this variant is likely to be tolerated. In summary, the available evidence is currently insufficient to determine the role of this variant in disease. Therefore, it has been classified as a Variant of Uncertain Significance.

Ambry Genetics
Classification: Uncertain significance. Last evaluated: 2024-12-06. Review status: criteria provided, single submitter. Criteria: Ambry Variant Classification Scheme 2023. Collection method: clinical testing. Allele origin: germline.

NM_032977.4(CASP10):c.733A>C (p.Thr245Pro)

Gene: CASP10 (caspase 10; plus strand). Cytogenetic location: 2q33.1.
Variant type: single nucleotide variant.
Coding change: c.733A>C on transcript NM_032977.4 (MANE Select); coding-DNA position 733, A replaced by C.
Protein change: p.Thr245Pro; replaces threonine 245 with proline.
Molecular consequence: missense variant. On other transcripts: intron variant (4).
Genome position (GRCh38, 1-based): chr2:201,205,893, A>C. VCF-style: chr2-201205893-A-C. GRCh37 (hg19) VCF-style: chr2-202070616-A-C.
Other names: c.733A>C, p.Thr245Pro (NM_032974.5); c.685-2182A>C (NM_001206542.2, NM_001230.5); c.721+2127A>C (NM_032976.4, NM_001206524.2); short protein forms T245P.
Identifiers: ClinVar variation 844627 (VCV000844627.14), dbSNP rs1312829146, ClinGen allele CA350283750.